The following is an entry in ClinVar:

NM_001135998.3(NDUFB11):c.241G>A (p.Val81Ile)

Gene: NDUFB11 (NADH:ubiquinone oxidoreductase subunit B11; minus strand). Cytogenetic location: Xp11.3.
Variant type: single nucleotide variant.
Coding change: c.241G>A on transcript NM_001135998.3 (MANE Select); coding-DNA position 241, G replaced by A.
Protein change: p.Val81Ile; replaces valine 81 with isoleucine.
Molecular consequence: missense variant.
Genome position (GRCh38, 1-based): chrX:47,142,711, C>T on the plus strand (G>A on the coding strand, the complement: NDUFB11 is on the minus strand). VCF-style: chrX-47142711-C-T. GRCh37 (hg19) VCF-style: chrX-47002110-C-T.
Other names: c.241G>A, p.Val81Ile (NM_019056.7); short protein forms V81I.
Identifiers: ClinVar variation 2728459 (VCV002728459.3), dbSNP rs144343841, ClinGen allele CA10394921.

ClinVar aggregate classification (germline): Uncertain significance (1 of 4 stars; one submission).

Allele frequency attached by ClinVar (database versions not stated): gnomAD exomes 0.00001; gnomAD 0.00005; TOPMed 0.00006; ExAC 0.00007; ESP Exome Variant Server 0.00019.
gnomAD v4.1: 20 of 1,210,048 alleles (0.0017%); highest among the groups gnomAD compares: African/African-American, 0.017%; no homozygotes.

Submission:

Labcorp Genetics (formerly Invitae), Labcorp
Classification: Uncertain significance. Last evaluated: 2023-03-14. Review status: criteria provided, single submitter. Criteria: Invitae Variant Classification Sherloc (09022015). Collection method: clinical testing. Allele origin: germline.
Comment: This sequence change replaces valine, which is neutral and non-polar, with isoleucine, which is neutral and non-polar, at codon 81 of the NDUFB11 protein (p.Val81Ile). In summary, the available evidence is currently insufficient to determine the role of this variant in disease. Therefore, it has been classified as a Variant of Uncertain Significance. An algorithm developed to predict the effect of missense changes on protein structure and function (PolyPhen-2) suggests that this variant is likely to be tolerated. This variant has not been reported in the literature in individuals affected with NDUFB11-related conditions. This variant is present in population databases (rs144343841, gnomAD 0.03%).